The following is an entry in ClinVar:

NM_015559.3(SETBP1):c.1155G>C (p.Gln385His)

Gene: SETBP1 (SET binding protein 1; plus strand). Cytogenetic location: 18q12.3.
Variant type: single nucleotide variant.
Coding change: c.1155G>C on transcript NM_015559.3 (MANE Select); coding-DNA position 1155, G replaced by C.
Protein change: p.Gln385His; replaces glutamine 385 with histidine.
Molecular consequence: missense variant.
Genome position (GRCh38, 1-based): chr18:44,950,495, G>C. VCF-style: chr18-44950495-G-C. GRCh37 (hg19) VCF-style: chr18-42530460-G-C.
Other names: c.1155G>C, p.Gln385His (NM_001379141.1, NM_001379142.1); short protein forms Q385H.
Identifiers: ClinVar variation 1523764 (VCV001523764.6), dbSNP rs2145096124, ClinGen allele CA402317916.

ClinVar aggregate classification (germline): Uncertain significance (1 of 4 stars; one submission).

Submission:

Labcorp Genetics (formerly Invitae), Labcorp
Classification: Uncertain significance. Last evaluated: 2021-10-09. Review status: criteria provided, single submitter. Criteria: Invitae Variant Classification Sherloc (09022015). Collection method: clinical testing. Allele origin: germline.
Comment: In summary, the available evidence is currently insufficient to determine the role of this variant in disease. Therefore, it has been classified as a Variant of Uncertain Significance. Algorithms developed to predict the effect of missense changes on protein structure and function are either unavailable or do not agree on the potential impact of this missense change (SIFT: "Deleterious"; PolyPhen-2: "Benign"; Align-GVGD: "Class C15"). This variant has not been reported in the literature in individuals affected with SETBP1-related conditions. This variant is not present in population databases (ExAC no frequency). This sequence change replaces glutamine with histidine at codon 385 of the SETBP1 protein (p.Gln385His). The glutamine residue is highly conserved and there is a small physicochemical difference between glutamine and histidine.